The following is an entry in ClinVar:

ClinVar aggregate classification (germline): Uncertain significance (1 of 4 stars; one submission).

Conditions:
Mowat-Wilson syndrome (MOWS). Also called: Classic Mowat-Wilson Syndrome. Identifiers: Orphanet 2152, MedGen C1856113, MONDO:0009341, OMIM 235730.

Submission:

Labcorp Genetics (formerly Invitae), Labcorp
Classification: Uncertain significance for Mowat-Wilson syndrome. Last evaluated: 2021-02-24. Review status: criteria provided, single submitter. Criteria: Invitae Variant Classification Sherloc (09022015). Collection method: clinical testing. Allele origin: germline.
Comment: This sequence change replaces alanine with valine at codon 277 of the ZEB2 protein (p.Ala277Val). The alanine residue is highly conserved and there is a small physicochemical difference between alanine and valine. This variant is not present in population databases (ExAC no frequency). This variant has not been reported in the literature in individuals with ZEB2-related conditions. Algorithms developed to predict the effect of missense changes on protein structure and function are either unavailable or do not agree on the potential impact of this missense change (SIFT: "Deleterious"; PolyPhen-2: "Possibly Damaging"; Align-GVGD: "Class C0"). Algorithms developed to predict the effect of sequence changes on RNA splicing suggest that this variant may create or strengthen a splice site, but this prediction has not been confirmed by published transcriptional studies. In summary, the available evidence is currently insufficient to determine the role of this variant in disease. Therefore, it has been classified as a Variant of Uncertain Significance.

NM_014795.4(ZEB2):c.830C>T (p.Ala277Val)

Gene: ZEB2 (zinc finger E-box binding homeobox 2; minus strand). Cytogenetic location: 2q22.3.
Variant type: single nucleotide variant.
Coding change: c.830C>T on transcript NM_014795.4 (MANE Select); coding-DNA position 830, C replaced by T.
Protein change: p.Ala277Val; replaces alanine 277 with valine.
Molecular consequence: missense variant.
Genome position (GRCh38, 1-based): chr2:144,401,285, G>A on the plus strand (C>T on the coding strand, the complement: ZEB2 is on the minus strand). VCF-style: chr2-144401285-G-A. GRCh37 (hg19) VCF-style: chr2-145158852-G-A.
Other names: c.758C>T, p.Ala253Val (NM_001171653.2); short protein forms A277V, A253V.
Identifiers: ClinVar variation 1375425 (VCV001375425.8), dbSNP rs2149877983, ClinGen allele CA348713645.